The following is an entry in ClinVar:

NM_000059.4(BRCA2):c.9761A>T (p.Lys3254Ile)

Gene: BRCA2 (BRCA2 DNA repair associated; plus strand). Cytogenetic location: 13q13.1.
Variant type: single nucleotide variant.
Coding change: c.9761A>T on transcript NM_000059.4 (MANE Select); coding-DNA position 9761, A replaced by T.
Protein change: p.Lys3254Ile; replaces lysine 3254 with isoleucine.
Molecular consequence: missense variant. On other transcripts: non-coding transcript variant (1).
Genome position (GRCh38, 1-based): chr13:32,398,274, A>T. VCF-style: chr13-32398274-A-T. GRCh37 (hg19) VCF-style: chr13-32972411-A-T.
Other names: c.9665A>T, p.Lys3222Ile (NM_001406719.1); c.9710A>T, p.Lys3237Ile (NM_001406720.1); c.4829A>T, p.Lys1610Ile (NM_001406721.1); c.3344A>T, p.Lys1115Ile (NM_001406722.1); c.9761A>T, p.Lys3254Ile (NM_001432077.1); short protein forms K1610I, K3237I, K3222I, K1115I, K3254I.
Identifiers: ClinVar variation 3665757 (VCV003665757.2).

ClinVar aggregate classification (germline): Uncertain significance (1 of 4 stars; one submission).

Conditions:
Hereditary breast ovarian cancer syndrome. Also called: BRCA1- and BRCA2-Associated Hereditary Breast and Ovarian Cancer; Hereditary breast and/or ovarian cancer syndrome; Hereditary breast and ovarian cancer syndrome; Hereditary breast and ovarian cancer syndrome (HBOC); Breast and ovarian cancer; Hereditary breast and ovarian cancer. Identifiers: Orphanet 145, MedGen C0677776, MeSH D061325, MONDO:0003582. Disease mechanism: loss of function.

Submission:

Labcorp Genetics (formerly Invitae), Labcorp
Classification: Uncertain significance for Hereditary breast ovarian cancer syndrome. Last evaluated: 2024-08-07. Review status: criteria provided, single submitter. Criteria: Invitae Variant Classification Sherloc (09022015). Collection method: clinical testing. Allele origin: germline.
Comment: This sequence change replaces lysine, which is basic and polar, with isoleucine, which is neutral and non-polar, at codon 3254 of the BRCA2 protein (p.Lys3254Ile). This variant is not present in population databases (gnomAD no frequency). This variant has not been reported in the literature in individuals affected with BRCA2-related conditions. Advanced modeling of protein sequence and biophysical properties (such as structural, functional, and spatial information, amino acid conservation, physicochemical variation, residue mobility, and thermodynamic stability) performed at Invitae indicates that this missense variant is not expected to disrupt BRCA2 protein function with a negative predictive value of 95%. In summary, the available evidence is currently insufficient to determine the role of this variant in disease. Therefore, it has been classified as a Variant of Uncertain Significance.